The following is an entry in ClinVar:

ClinVar aggregate classification (germline): Likely pathogenic (1 of 4 stars; one submission).

Conditions:
Methylmalonic aciduria and homocystinuria type cblD (MAHCD). Also called: METHYLMALONIC ACIDEMIA, cblH TYPE; Methylmalonic aciduria with homocystinuria cblD type. Identifiers: Orphanet 622, Orphanet 79283, MedGen C1848552, MONDO:0010185, OMIM 277410.

Submission:

Labcorp Genetics (formerly Invitae), Labcorp
Classification: Likely pathogenic for Methylmalonic aciduria and homocystinuria type cblD. Last evaluated: 2023-06-04. Review status: criteria provided, single submitter. Criteria: Invitae Variant Classification Sherloc (09022015). Collection method: clinical testing. Allele origin: germline.
Comment: In summary, the currently available evidence indicates that the variant is pathogenic, but additional data are needed to prove that conclusively. Therefore, this variant has been classified as Likely Pathogenic. Algorithms developed to predict the effect of sequence changes on RNA splicing suggest that this variant may disrupt the consensus splice site. This variant has not been reported in the literature in individuals affected with MMADHC-related conditions. This variant is not present in population databases (gnomAD no frequency). This sequence change affects an acceptor splice site in intron 3 of the MMADHC gene. It is expected to disrupt RNA splicing. Variants that disrupt the donor or acceptor splice site typically lead to a loss of protein function (PMID: 16199547), and loss-of-function variants in MMADHC are known to be pathogenic (PMID: 18385497).

Literature cited by the submitters: PubMed 16199547; PubMed 18385497.

NM_015702.3(MMADHC):c.155-2A>G

Gene: MMADHC (metabolism of cobalamin associated D; minus strand). Cytogenetic location: 2q23.2.
Variant type: single nucleotide variant.
Coding change: c.155-2A>G on transcript NM_015702.3 (MANE Select); the canonical splice acceptor site of the intron before coding-DNA position 155, A replaced by G.
Molecular consequence: splice acceptor variant.
Genome position (GRCh38, 1-based): chr2:149,579,650, T>C on the plus strand (A>G on the coding strand, the complement: MMADHC is on the minus strand). VCF-style: chr2-149579650-T-C. GRCh37 (hg19) VCF-style: chr2-150436164-T-C.
Identifiers: ClinVar variation 2765188 (VCV002765188.3), dbSNP rs2467645084, ClinGen allele CA348870958.
Genomic context (GRCh38, chr2:149,579,650, plus strand): 5'-CCTCTGATCTTGAGGTCCAAAGGGTCCCATAGTTTCATCAGGCCACACTGTTCGAGAGCC[T>C]GAAGAGAAACAACAAAAGGAACAGTTTCTCCTTAATAGTCAAGTATATTGGTAGACTGAA-3'